The following is an entry in ClinVar:

NM_206965.2(FTCD):c.*7G>A

Gene: FTCD (formimidoyltransferase cyclodeaminase; minus strand). Cytogenetic location: 21q22.3.
Variant type: single nucleotide variant.
Coding change: c.*7G>A on transcript NM_206965.2 (MANE Select); 7 bases downstream of the stop codon, G replaced by A.
Molecular consequence: 3 prime UTR variant. On other transcripts: missense variant (1), intron variant (1).
Genome position (GRCh38, 1-based): chr21:46,136,980, C>T on the plus strand (G>A on the coding strand, the complement: FTCD is on the minus strand). VCF-style: chr21-46136980-C-T. GRCh37 (hg19) VCF-style: chr21-47556894-C-T.
Other names: NC_000021.8:g.47556894C>T; c.1613G>A, p.Arg538Gln (NM_001320412.2); c.*2+5G>A (NM_006657.3); short protein forms R538Q.
Identifiers: ClinVar variation 2503262 (VCV002503262.2), dbSNP rs201212662, ClinGen allele CA10073297.

ClinVar aggregate classification (germline): Uncertain significance (1 of 4 stars; one submission).

Allele frequency attached by ClinVar (database versions not stated): 1000 Genomes Project 0.00020; ExAC 0.00024; 1000 Genomes Project 30x 0.00031; gnomAD 0.00048; ESP Exome Variant Server 0.00062.
gnomAD v4.1: 183 of 1,613,096 alleles (0.011%); highest among the groups gnomAD compares: African/African-American, 0.16%; 1 homozygote.

Submissions (4):

GeneDx
Classification: Uncertain significance. Last evaluated: 2022-11-29. Review status: criteria provided, single submitter. Criteria: GeneDx Variant Classification Process June 2021. Collection method: clinical testing. Allele origin: germline. Affected: yes.
Comment: Has not been previously published as pathogenic or benign to our knowledge; In silico analysis is inconclusive as to whether the variant alters gene splicing. In the absence of RNA/functional studies, the actual effect of this sequence change is unknown.

Dr. Peter K. Rogan Lab, Western University
No classification provided (evidence only). Condition: Malignant tumor of urinary bladder. Review status: no classification provided. Collection method: in vitro. Allele origin: not applicable. Functional consequence: retained intron. Not counted in ClinVar's aggregate classification.

Dr. Peter K. Rogan Lab, Western University
No classification provided (evidence only). Condition: Familial cancer of breast. Review status: no classification provided. Collection method: in vitro. Allele origin: not applicable. Functional consequence: retained intron. Not counted in ClinVar's aggregate classification.

Dr. Peter K. Rogan Lab, Western University
No classification provided (evidence only). Condition: Ovarian serous cystadenocarcinoma. Review status: no classification provided. Collection method: in vitro. Allele origin: not applicable. Functional consequence: retained intron. Not counted in ClinVar's aggregate classification.